The following is an entry in ClinVar:

NM_001375808.2(LPIN2):c.590+6A>G

Gene: LPIN2 (lipin 2; minus strand). Cytogenetic location: 18p11.31.
Variant type: single nucleotide variant.
Coding change: c.590+6A>G on transcript NM_001375808.2 (MANE Select); 6 bases into the intron after coding-DNA position 590, A replaced by G.
Molecular consequence: intron variant.
Genome position (GRCh38, 1-based): chr18:2,951,049, T>C on the plus strand (A>G on the coding strand, the complement: LPIN2 is on the minus strand). VCF-style: chr18-2951049-T-C. GRCh37 (hg19) VCF-style: chr18-2951047-T-C.
Other names: c.590+6A>G (NM_014646.2, NM_001375809.1).
Identifiers: ClinVar variation 326648 (VCV000326648.29), dbSNP rs73375280, ClinGen allele CA8873520.

ClinVar aggregate classification (germline): Benign. Review status: criteria provided, multiple submitters, no conflicts (2 of 4 stars). 6 submissions from 6 submitters: Benign (6). Last evaluated 2026-03-31.

Conditions:
Autoinflammatory syndrome. Identifiers: Orphanet 93665, MedGen C3890737, MONDO:0019751.
Majeed syndrome (MJDS). Also called: LPIN2-Related Majeed Syndrome; CHRONIC RECURRENT MULTIFOCAL OSTEOMYELITIS 1, WITH CONGENITAL DYSERYTHROPOIETIC ANEMIA, WITH OR WITHOUT NEUTROPHILIC DERMATOSIS. Identifiers: Orphanet 77297, MedGen C1864997, MONDO:0012316, OMIM 609628.

Allele frequency attached by ClinVar (database versions not stated): gnomAD exomes 0.00045 and 0.00127; ExAC 0.00162; gnomAD 0.00468 and 0.00505; TOPMed 0.00503; ESP Exome Variant Server 0.00600; 1000 Genomes Project 0.00639; 1000 Genomes Project 30x 0.00750.
gnomAD v4.1: 1,413 of 1,613,848 alleles (0.088%); highest among the groups gnomAD compares: African/African-American, 1.7%; 15 homozygotes.

Submissions (6):

Women's Health and Genetics/Laboratory Corporation of America, LabCorp
Classification: Benign. Last evaluated: 2026-03-31. Review status: criteria provided, single submitter. Criteria: LabCorp Variant Classification Summary - May 2015. Collection method: clinical testing. Allele origin: germline.

Labcorp Genetics (formerly Invitae), Labcorp
Classification: Benign for Majeed syndrome. Last evaluated: 2026-01-25. Review status: criteria provided, single submitter. Criteria: Invitae Variant Classification Sherloc (09022015). Collection method: clinical testing. Allele origin: germline.

ARUP Laboratories, Molecular Genetics and Genomics, ARUP Laboratories
Classification: Benign for Majeed syndrome. Last evaluated: 2024-08-08. Review status: criteria provided, single submitter. Criteria: ARUP Molecular Germline Variant Investigation Process 2024. Collection method: clinical testing. Allele origin: germline.

Genome Diagnostics Laboratory, The Hospital for Sick Children
Classification: Benign for Autoinflammatory syndrome. Last evaluated: 2022-04-19. Review status: criteria provided, single submitter. Criteria: ACMG Guidelines, 2015. Collection method: clinical testing. Allele origin: germline. Affected: yes.

Illumina Laboratory Services, Illumina
Classification: Benign for Majeed syndrome. Last evaluated: 2018-01-12. Review status: criteria provided, single submitter. Criteria: ICSL Variant Classification Criteria 13 December 2019. Collection method: clinical testing. Allele origin: germline.
Comment: This variant was observed in the ICSL laboratory as part of a predisposition screen in an ostensibly healthy population. It had not been previously curated by ICSL or reported in the Human Gene Mutation Database (HGMD: prior to June 1st, 2018), and was therefore a candidate for classification through an automated scoring system. Utilizing variant allele frequency, disease prevalence and penetrance estimates, and inheritance mode, an automated score was calculated to assess if this variant is too frequent to cause the disease. Based on the score and internal cut-off values, a variant classified as benign is not then subjected to further curation. The score for this variant resulted in a classification of benign for this disease.

GeneDx
Classification: Benign. Last evaluated: 2015-03-03. Review status: criteria provided, single submitter. Criteria: GeneDx Variant Classification Process June 2021. Collection method: clinical testing. Allele origin: germline. Affected: yes.